The following is an entry in ClinVar:

NM_000823.4(GHRHR):c.47C>T (p.Pro16Leu)

Gene: GHRHR (growth hormone releasing hormone receptor; plus strand). Cytogenetic location: 7p14.3.
Variant type: single nucleotide variant.
Coding change: c.47C>T on transcript NM_000823.4 (MANE Select); coding-DNA position 47, C replaced by T.
Protein change: p.Pro16Leu; replaces proline 16 with leucine.
Molecular consequence: missense variant.
Genome position (GRCh38, 1-based): chr7:30,964,115, C>T. VCF-style: chr7-30964115-C-T. GRCh37 (hg19) VCF-style: chr7-31003730-C-T.
Other names: short protein forms P16L.
Identifiers: ClinVar variation 909042 (VCV000909042.13), dbSNP rs142833343, ClinGen allele CA4208374.

ClinVar aggregate classification (germline): Conflicting classifications of pathogenicity. Review status: criteria provided, conflicting classifications (1 of 4 stars). 3 submissions from 3 submitters: Uncertain significance (1); Likely benign (2). Last evaluated 2026-01-19.

Conditions:
Isolated growth hormone deficiency type IB (IGHD1B). Also called: IGHD IB; IGHD 1B. Identifiers: Orphanet 231671, Orphanet 631, MedGen C2748571, MONDO:0013006, OMIM 612781.

Allele frequency attached by ClinVar (database versions not stated): gnomAD 0.00015 and 0.00020; gnomAD exomes 0.00017 and 0.00048; TOPMed 0.00028; ExAC 0.00029; 1000 Genomes Project 30x 0.00078; 1000 Genomes Project 0.00080.
gnomAD v4.1: 261 of 1,549,058 alleles (0.017%); highest among the groups gnomAD compares: East Asian, 0.49%; 1 homozygote.

Submissions (3):

Labcorp Genetics (formerly Invitae), Labcorp
Classification: Likely benign. Last evaluated: 2026-01-19. Review status: criteria provided, single submitter. Criteria: Invitae Variant Classification Sherloc (09022015). Collection method: clinical testing. Allele origin: germline.

Women's Health and Genetics/Laboratory Corporation of America, LabCorp
Classification: Likely benign. Last evaluated: 2025-04-02. Review status: criteria provided, single submitter. Criteria: LabCorp Variant Classification Summary - May 2015. Collection method: clinical testing. Allele origin: germline.
Comment: Variant summary: GHRHR c.47C>T (p.Pro16Leu) results in a non-conservative amino acid change in the encoded protein sequence. Four of five in-silico tools predict a benign effect of the variant on protein function. The variant allele was found at a frequency of 0.00017 in 1549058 control chromosomes, predominantly at a frequency of 0.0049 within the East Asian subpopulation in the gnomAD database (v4), including 1 homozygotes. The observed variant frequency within East Asian control individuals in the gnomAD database exceeds the estimated maximal expected allele frequency for a pathogenic variant in GHRHR causing Isolated growth hormone deficiency, type 4 phenotype. To our knowledge, no occurrence of c.47C>T in individuals affected with Isolated growth hormone deficiency, type 4 and no experimental evidence demonstrating its impact on protein function have been reported. ClinVar contains an entry for this variant (Variation ID: 909042). Based on the evidence outlined above, the variant was classified as likely benign.

Illumina Laboratory Services, Illumina
Classification: Uncertain significance for Isolated growth hormone deficiency type IB. Last evaluated: 2017-04-27. Review status: criteria provided, single submitter. Criteria: ICSL Variant Classification Criteria 13 December 2019. Collection method: clinical testing. Allele origin: germline.